The following is an entry in ClinVar:

NM_012238.5(SIRT1):c.735T>A (p.Asp245Glu)

Gene: SIRT1 (sirtuin 1; plus strand). Cytogenetic location: 10q21.3.
Variant type: single nucleotide variant.
Coding change: c.735T>A on transcript NM_012238.5 (MANE Select); coding-DNA position 735, T replaced by A.
Protein change: p.Asp245Glu; replaces aspartic acid 245 with glutamic acid.
Molecular consequence: missense variant. On other transcripts: 5 prime UTR variant (1), intron variant (1).
Genome position (GRCh38, 1-based): chr10:67,889,069, T>A. VCF-style: chr10-67889069-T-A. GRCh37 (hg19) VCF-style: chr10-69648827-T-A.
Other names: c.-300T>A (NM_001314049.2); c.-97+1536T>A (NM_001142498.2); short protein forms D245E.
Identifiers: ClinVar variation 2883418 (VCV002883418.3), dbSNP rs201479376, ClinGen allele CA5521092.

ClinVar aggregate classification (germline): Uncertain significance (1 of 4 stars; one submission).

Allele frequency attached by ClinVar (database versions not stated): ExAC 0.00023; 1000 Genomes Project 0.00060; 1000 Genomes Project 30x 0.00062.
gnomAD v4.1: 138 of 1,609,506 alleles (0.0086%); highest among the groups gnomAD compares: South Asian, 0.14%; 3 homozygotes.

Submission:

Labcorp Genetics (formerly Invitae), Labcorp
Classification: Uncertain significance. Last evaluated: 2023-08-24. Review status: criteria provided, single submitter. Criteria: Invitae Variant Classification Sherloc (09022015). Collection method: clinical testing. Allele origin: germline.
Comment: In summary, the available evidence is currently insufficient to determine the role of this variant in disease. Therefore, it has been classified as a Variant of Uncertain Significance. An algorithm developed to predict the effect of missense changes on protein structure and function (PolyPhen-2) suggests that this variant is likely to be disruptive. This variant has not been reported in the literature in individuals affected with SIRT1-related conditions. This variant is present in population databases (rs201479376, gnomAD 0.1%), and has an allele count higher than expected for a pathogenic variant. This sequence change replaces aspartic acid, which is acidic and polar, with glutamic acid, which is acidic and polar, at codon 245 of the SIRT1 protein (p.Asp245Glu).